The following is an entry in ClinVar:

ClinVar aggregate classification (germline): Uncertain significance. Review status: criteria provided, multiple submitters, no conflicts (2 of 4 stars). 2 submissions from 2 submitters: Uncertain significance (2). Last evaluated 2026-02-28.

Conditions:
Snijders Blok-Campeau syndrome. Also called: INTELLECTUAL DEVELOPMENTAL DISORDER WITH MACROCEPHALY, SPEECH DELAY, AND DYSMORPHIC FACIES. Identifiers: Orphanet 599082, MedGen C4748701, MONDO:0032600, OMIM 618205.

Submissions (2):

Clinical Genomics Laboratory, Washington University in St. Louis
Classification: Uncertain significance for Snijders Blok-Campeau syndrome. Last evaluated: 2026-02-28. Review status: criteria provided, single submitter. Criteria: ACMG Guidelines, 2015. Collection method: clinical testing. Allele origin: germline.
Comment: The CHD3 c.5408C>T (p.Ala1803Val) variant, to our knowledge, has not been reported in the medical literature. This variant is absent from the general population (gnomAD v4.1.0), indicating it is not a common variant. Computational predictors indicate that the variant is damaging, evidence that correlates with impact to CHD3 function. This variant has been reported in the ClinVar database as a germline variant of uncertain significance by a single submitter. Due to limited information, and based on ACMG/AMP guidelines for variant interpretation (Richards S et al., PMID: 25741868), the clinical significance of this variant is uncertain at this time.

GeneDx
Classification: Uncertain significance. Last evaluated: 2023-12-19. Review status: criteria provided, single submitter. Criteria: GeneDx Variant Classification Process June 2021. Collection method: clinical testing. Allele origin: germline. Affected: yes.
Comment: Not observed at significant frequency in large population cohorts (gnomAD); In silico analysis supports that this missense variant has a deleterious effect on protein structure/function; Has not been previously published as pathogenic or benign to our knowledge

NM_001005273.3(CHD3):c.5408C>T (p.Ala1803Val)

Gene: CHD3 (chromodomain helicase DNA binding protein 3; plus strand). Cytogenetic location: 17p13.1.
Variant type: single nucleotide variant.
Coding change: c.5408C>T on transcript NM_001005273.3 (MANE Select); coding-DNA position 5408, C replaced by T.
Protein change: p.Ala1803Val; replaces alanine 1803 with valine.
Molecular consequence: missense variant.
Genome position (GRCh38, 1-based): chr17:7,909,156, C>T. VCF-style: chr17-7909156-C-T. GRCh37 (hg19) VCF-style: chr17-7812474-C-T.
Other names: c.5585C>T, p.Ala1862Val (NM_001005271.3); c.5306C>T, p.Ala1769Val (NM_005852.4); short protein forms A1769V, A1803V, A1862V.
Identifiers: ClinVar variation 3365966 (VCV003365966.2).
Genomic context (GRCh38, chr17:7,909,156, plus strand): 5'-CACTGCTGGCAGAGCCCTACCTTCACCTCCCAACTCTGTGCCCTCAGCTCCTGGAGCAGG[C>T]GCTGGTGATTGAGGAGCAGCTGCGGCGGGCGGCCTACCTGAACCTGTCGCAGGAGCCGGC-3'
Protein context (NP_001005273.1, residues 1793-1813): LARRFKLLEQ[Ala1803Val]LVIEEQLRRA